The following is an entry in ClinVar:

ClinVar aggregate classification (germline): Uncertain significance (1 of 4 stars; one submission).

Conditions:
Severe myoclonic epilepsy in infancy (DRVT). Also called: Epileptic encephalopathy, early infantile, 6 (Dravet syndrome); Dravet syndrome; SEVERE MYOCLONIC EPILEPSY OF INFANCY; DEVELOPMENTAL AND EPILEPTIC ENCEPHALOPATHY 6A; Severe Myoclonic Epilepsy in Infancy (SMEI). Identifiers: Orphanet 33069, MedGen C0751122, MONDO:0100135, OMIM 607208.

gnomAD v4.1: 1 of 1,614,174 alleles (0.000062%); highest among the groups gnomAD compares: Non-Finnish European, 0.000085%; no homozygotes.

Submission:

Labcorp Genetics (formerly Invitae), Labcorp
Classification: Uncertain significance for Severe myoclonic epilepsy in infancy. Last evaluated: 2024-12-24. Review status: criteria provided, single submitter. Criteria: Invitae Variant Classification Sherloc (09022015). Collection method: clinical testing. Allele origin: germline.
Comment: This sequence change replaces lysine, which is basic and polar, with glutamic acid, which is acidic and polar, at codon 160 of the SNX27 protein (p.Lys160Glu). This variant is not present in population databases (gnomAD no frequency). This variant has not been reported in the literature in individuals affected with SNX27-related conditions. An algorithm developed to predict the effect of missense changes on protein structure and function (PolyPhen-2) suggests that this variant is likely to be disruptive. In summary, the available evidence is currently insufficient to determine the role of this variant in disease. Therefore, it has been classified as a Variant of Uncertain Significance.

NM_001330723.2(SNX27):c.478A>G (p.Lys160Glu)

Gene: SNX27 (sorting nexin 27; plus strand). Cytogenetic location: 1q21.3.
Variant type: single nucleotide variant.
Coding change: c.478A>G on transcript NM_001330723.2 (MANE Select); coding-DNA position 478, A replaced by G.
Protein change: p.Lys160Glu; replaces lysine 160 with glutamic acid.
Molecular consequence: missense variant.
Genome position (GRCh38, 1-based): chr1:151,639,054, A>G. VCF-style: chr1-151639054-A-G. GRCh37 (hg19) VCF-style: chr1-151611530-A-G.
Other names: c.478A>G, p.Lys160Glu (NM_030918.6); short protein forms K160E.
Identifiers: ClinVar variation 3727995 (VCV003727995.2).
Genomic context (GRCh38, chr1:151,639,054, plus strand): 5'-GCAGATAACCTAGATCCCAGTGACGACTCGTTGGGACAATCATTTTATGATTACACAGAA[A>G]AGCAAGCAGTGCCCATATCGGTCCCCAGATACAAACATGTGGAGCAGAATGGTGAGAAGT-3'
Protein context (NP_001317652.1, residues 150-170): LGQSFYDYTE[Lys160Glu]QAVPISVPRY